The following is an entry in ClinVar:

NM_000077.5(CDKN2A):c.341C>G (p.Pro114Arg)

Gene: CDKN2A (cyclin dependent kinase inhibitor 2A; minus strand). Cytogenetic location: 9p21.3.
Variant type: single nucleotide variant.
Coding change: c.341C>G on transcript NM_000077.5; coding-DNA position 341, C replaced by G.
Protein change: p.Pro114Arg; replaces proline 114 with arginine.
Molecular consequence: missense variant (on NM_000077.6). On other transcripts: synonymous variant (1), 3 prime UTR variant (1).
Genome position (GRCh38, 1-based): chr9:21,971,018, G>C on the plus strand (C>G on the coding strand, the complement: CDKN2A is on the minus strand). VCF-style: chr9-21971018-G-C. GRCh37 (hg19) VCF-style: chr9-21971017-G-C.
Other names: c.341C>G, p.Pro114Arg (NM_000077.6, NM_001195132.2); c.188C>G, p.Pro63Arg (NM_001363763.2); c.384C>G, p.Ala128= (NM_058195.4); c.*264C>G (NM_058197.5); short protein forms P114R, P63R.
Identifiers: ClinVar variation 2449062 (VCV002449062.2), dbSNP rs121913386, ClinGen allele CA373086024.

ClinVar aggregate classification (germline): Likely pathogenic (1 of 4 stars; one submission).

Conditions:
Hereditary cancer-predisposing syndrome. Also called: Hereditary Cancer Syndrome; Neoplastic Syndromes, Hereditary; Tumor predisposition; Hereditary neoplastic syndrome. Identifiers: Orphanet 140162, MedGen C0027672, MeSH D009386, MONDO:0015356.

Submission:

Ambry Genetics
Classification: Likely pathogenic for Hereditary cancer-predisposing syndrome. Last evaluated: 2023-01-23. Review status: criteria provided, single submitter. Criteria: Ambry Variant Classification Scheme 2023. Collection method: clinical testing. Allele origin: germline.
Comment: The p.P114R variant (also known as c.341C>G), located in coding exon 2 of the CDKN2A gene, results from a C to G substitution at nucleotide position 341. The proline at codon 114 is replaced by arginine, an amino acid with dissimilar properties. This alteration has been observed in at least one individual with a personal and/or family history that is consistent with CDKN2A-related disease (Ambry internal data). Another alteration at the same codon, p.P114L (c.341C>T), has been detected in multiple individuals who have a personal or family history that is consistent with CDKN2A-associated disease (Ambry internal data; Fargnoli MC et al. J. Invest. Dermatol., 1998 Dec;111:1202-6; Miller PJ et al. Hum. Mutat., 2011 Aug;32:900-11). This variant is considered to be rare based on population cohorts in the Genome Aggregation Database (gnomAD). This amino acid position is highly conserved in available vertebrate species. In addition, this alteration is predicted to be deleterious by in silico analysis. Based on the majority of available evidence to date, this variant is likely to be pathogenic.